The following is an entry in ClinVar:

NM_001166108.2(PALLD):c.536T>C (p.Leu179Pro)

Gene: PALLD (palladin, cytoskeletal associated protein; plus strand). Cytogenetic location: 4q32.3.
Variant type: single nucleotide variant.
Coding change: c.536T>C on transcript NM_001166108.2 (MANE Select); coding-DNA position 536, T replaced by C.
Protein change: p.Leu179Pro; replaces leucine 179 with proline.
Molecular consequence: missense variant.
Genome position (GRCh38, 1-based): chr4:168,512,040, T>C. VCF-style: chr4-168512040-T-C. GRCh37 (hg19) VCF-style: chr4-169433191-T-C.
Other names: c.536T>C, p.Leu179Pro (NM_016081.4); short protein forms L179P.
Identifiers: ClinVar variation 2448494 (VCV002448494.2), dbSNP rs2531433673, ClinGen allele CA358726240.

ClinVar aggregate classification (germline): Uncertain significance (1 of 4 stars; one submission).

Submission:

Ambry Genetics
Classification: Uncertain significance. Last evaluated: 2023-02-15. Review status: criteria provided, single submitter. Criteria: Ambry Variant Classification Scheme 2023. Collection method: clinical testing. Allele origin: germline.
Comment: The p.L179P variant (also known as c.536T>C), located in coding exon 1 of the PALLD gene, results from a T to C substitution at nucleotide position 536. The leucine at codon 179 is replaced by proline, an amino acid with similar properties. This amino acid position is conserved. In addition, this alteration is predicted to be deleterious by in silico analysis. Since supporting evidence is limited at this time, the clinical significance of this alteration remains unclear.